The following is an entry in ClinVar:

ClinVar aggregate classification (germline): Likely benign (1 of 4 stars; one submission).

Allele frequency attached by ClinVar (database versions not stated): gnomAD exomes below 0.00001; TOPMed below 0.00001.

Submission:

CeGaT Center for Human Genetics Tuebingen
Classification: Likely benign. Last evaluated: 2022-07-01. Review status: criteria provided, single submitter. Criteria: CeGaT Center For Human Genetics Tuebingen Variant Classification Criteria Version 2. Collection method: clinical testing. Allele origin: germline. Affected: yes. Observed: 1 variant allele.
Comment: MUC16: PM2:Supporting, BP4, BP7

NM_001401501.2(MUC16):c.2826C>T (p.Asp942=)

Gene: MUC16 (mucin 16, cell surface associated; minus strand). Cytogenetic location: 19p13.2.
Variant type: single nucleotide variant.
Coding change: c.2826C>T on transcript NM_001401501.2 (MANE Select); coding-DNA position 2826, C replaced by T.
Protein change: p.Asp942=; no amino-acid change (aspartic acid 942 retained).
Molecular consequence: synonymous variant.
Genome position (GRCh38, 1-based): chr19:8,978,433, G>A on the plus strand (C>T on the coding strand, the complement: MUC16 is on the minus strand). VCF-style: chr19-8978433-G-A. GRCh37 (hg19) VCF-style: chr19-9089109-G-A.
Other names: c.3252C>T, p.Asp1084= (NM_001414686.1); c.2706C>T, p.Asp902= (NM_001414687.1, NM_024690.2).
Identifiers: ClinVar variation 2649269 (VCV002649269.24), dbSNP rs1185098296, ClinGen allele CA505430861.
Genomic context (GRCh38, chr19:8,978,433, plus strand): 5'-AGCTCTGAGCTCACTCACTAGGTGGGATGAAGAGAACTGAGCTGAACGTGTAGGCCAGGT[G>A]TCCATGGTGGGGAATACTGGGGTAGGGACAGAGGTGCTGGCCAAGGTGGTCCTTACTCTG-3'
Protein context (NP_001388430.1, residues 932-952): SVPTPVFPTM[Asp942=]TWPTRSAQFS